The following is an entry in ClinVar:

NM_144498.4(OSBPL2):c.1269G>A (p.Lys423=)

Gene: OSBPL2 (oxysterol binding protein like 2; plus strand). Cytogenetic location: 20q13.33.
Variant type: single nucleotide variant.
Coding change: c.1269G>A on transcript NM_144498.4 (MANE Select); coding-DNA position 1269, G replaced by A.
Protein change: p.Lys423=; no amino-acid change (lysine 423 retained).
Molecular consequence: synonymous variant. On other transcripts: missense variant (1).
Genome position (GRCh38, 1-based): chr20:62,291,722, G>A. VCF-style: chr20-62291722-G-A. GRCh37 (hg19) VCF-style: chr20-60866778-G-A.
Other names: c.869G>A, p.Arg290Lys (NM_001278649.3); c.993G>A, p.Lys331= (NM_001363878.2); c.1233G>A, p.Lys411= (NM_014835.5); c.869G>A (NM_001278649.1); short protein forms R290K.
Identifiers: ClinVar variation 4691852 (VCV004691852.2).
Genomic context (GRCh38, chr20:62,291,722, plus strand): 5'-TAAGGTCTCTGTCTGACCTAAACTGTTTGCTTGGATCCTAGATCTGGCCAGCCAGGAGAA[G>A]GAGCGGCTGGAGGAGAAGCAGAGAGAAGCACGGAGGGAGCGGGCCAAGGAGGAGGCAGAG-3'
Protein context (NP_653081.1, residues 413-433): NGNMDLASQE[Lys423=]ERLEEKQREA

ClinVar aggregate classification (germline): Conflicting classifications of pathogenicity. Review status: criteria provided, conflicting classifications (1 of 4 stars). 2 submissions from 2 submitters: Uncertain significance (1); Likely benign (1). Last evaluated 2025-09-15.

Conditions:
OSBPL2-related disorder. Also called: OSBPL2-related condition.

gnomAD v4.1: 52 of 1,613,606 alleles (0.0032%); highest among the groups gnomAD compares: Non-Finnish European, 0.0042%; no homozygotes.

Submissions (2):

Labcorp Genetics (formerly Invitae), Labcorp
Classification: Likely benign. Last evaluated: 2025-09-15. Review status: criteria provided, single submitter. Criteria: Invitae Variant Classification Sherloc (09022015). Collection method: clinical testing. Allele origin: germline.

PreventionGenetics, part of Exact Sciences
Classification: Uncertain significance for OSBPL2-related condition. Last evaluated: 2025-03-19. Review status: criteria provided, single submitter. Criteria: ACMG Guidelines, 2015. Collection method: clinical testing. Allele origin: germline.
Comment: The OSBPL2 c.869G>A variant is predicted to result in the amino acid substitution p.Arg290Lys. To our knowledge, this variant has not been reported in the literature. This variant is reported in 0.0062% of alleles in individuals of African descent in gnomAD. At this time, the clinical significance of this variant is uncertain due to the absence of conclusive functional and genetic evidence.